The following is an entry in ClinVar:

ClinVar aggregate classification (germline): Benign (1 of 4 stars; one submission).

Allele frequency attached by ClinVar (database versions not stated): gnomAD 0.04810 and 0.05004; TOPMed 0.06080; 1000 Genomes Project 30x 0.07605; 1000 Genomes Project 0.07608.
gnomAD v4.1: 7,604 of 152,202 alleles (5%); highest among the groups gnomAD compares: East Asian, 19%; 368 homozygotes.

Submission:

GeneDx
Classification: Benign. Last evaluated: 2018-06-19. Review status: criteria provided, single submitter. Criteria: GeneDx Variant Classification (06012015). Collection method: clinical testing. Allele origin: germline. Affected: yes.
Comment: This variant is considered likely benign or benign based on one or more of the following criteria: it is a conservative change, it occurs at a poorly conserved position in the protein, it is predicted to be benign by multiple in silico algorithms, and/or has population frequency not consistent with disease.

NM_001267550.2(TTN):c.9164-208T>C

Gene: TTN (titin; minus strand). Cytogenetic location: 2q31.2.
Variant type: single nucleotide variant.
Coding change: c.9164-208T>C on transcript NM_001267550.2 (MANE Select); 208 bases into the intron before coding-DNA position 9164, T replaced by C.
Molecular consequence: intron variant.
Genome position (GRCh38, 1-based): chr2:178,768,363, A>G on the plus strand (T>C on the coding strand, the complement: TTN is on the minus strand). VCF-style: chr2-178768363-A-G. GRCh37 (hg19) VCF-style: chr2-179633090-A-G.
Other names: c.9164-208T>C (NM_001256850.1, NM_133378.4, NM_133379.5); c.9026-208T>C (NM_003319.4, NM_133437.4, NM_133432.3).
Identifiers: ClinVar variation 673086 (VCV000673086.1), dbSNP rs72647889, ClinGen allele CA15166965.